The following is an entry in ClinVar:

ClinVar aggregate classification (germline): Conflicting classifications of pathogenicity. Review status: criteria provided, conflicting classifications (1 of 4 stars). 3 submissions from 3 submitters: Uncertain significance (2); Likely benign (1). Last evaluated 2024-12-24.

Conditions:
Cardiovascular phenotype. Identifiers: MedGen CN230736.
Long QT syndrome (LQTS). Identifiers: MedGen C0023976, MeSH D008133, MONDO:0002442. Disease mechanism: loss of function. Inheritance: Various modes of inheritance.
Long QT syndrome 11 (LQT11). Identifiers: Orphanet 101016, Orphanet 768, MedGen C2678483, MONDO:0012738, OMIM 611820.

Allele frequency attached by ClinVar (database versions not stated): gnomAD 0.00003 and 0.00004; TOPMed 0.00003; ESP Exome Variant Server 0.00015.
gnomAD v4.1: 43 of 1,612,768 alleles (0.0027%); highest among the groups gnomAD compares: Admixed American, 0.0067%; no homozygotes.

Submissions (3):

Ambry Genetics
Classification: Likely benign for Cardiovascular phenotype. Last evaluated: 2024-12-24. Review status: criteria provided, single submitter. Criteria: Ambry Variant Classification Scheme 2023. Collection method: clinical testing. Allele origin: germline.

Fulgent Genetics
Classification: Uncertain significance for Long QT syndrome 11. Last evaluated: 2021-10-14. Review status: criteria provided, single submitter. Criteria: ACMG Guidelines, 2015. Collection method: clinical testing. Allele origin: unknown.

Labcorp Genetics (formerly Invitae), Labcorp
Classification: Uncertain significance for Long QT syndrome. Last evaluated: 2021-05-12. Review status: criteria provided, single submitter. Criteria: Invitae Variant Classification Sherloc (09022015). Collection method: clinical testing. Allele origin: germline.
Comment: This variant is present in population databases (rs368183690, ExAC 0.005%). In summary, the available evidence is currently insufficient to determine the role of this variant in disease. Therefore, it has been classified as a Variant of Uncertain Significance. Algorithms developed to predict the effect of missense changes on protein structure and function output the following: SIFT: "Tolerated"; PolyPhen-2: "Benign"; Align-GVGD: "Class C0". The valine amino acid residue is found in multiple mammalian species, suggesting that this missense change does not adversely affect protein function. These predictions have not been confirmed by published functional studies and their clinical significance is uncertain. This variant has not been reported in the literature in individuals with AKAP9-related conditions. This sequence change replaces isoleucine with valine at codon 1428 of the AKAP9 protein (p.Ile1428Val). The isoleucine residue is weakly conserved and there is a small physicochemical difference between isoleucine and valine.

NM_005751.5(AKAP9):c.4282A>G (p.Ile1428Val)

Gene: AKAP9 (A-kinase anchoring protein 9; plus strand). Cytogenetic location: 7q21.2.
Variant type: single nucleotide variant.
Coding change: c.4282A>G on transcript NM_005751.5 (MANE Select); coding-DNA position 4282, A replaced by G.
Protein change: p.Ile1428Val; replaces isoleucine 1428 with valine.
Molecular consequence: missense variant.
Genome position (GRCh38, 1-based): chr7:92,031,548, A>G. VCF-style: chr7-92031548-A-G. GRCh37 (hg19) VCF-style: chr7-91660862-A-G.
Other names: c.4282A>G, p.Ile1428Val (NM_147185.3); short protein forms I1428V.
Identifiers: ClinVar variation 1401389 (VCV001401389.13), dbSNP rs368183690, ClinGen allele CA4336534.